The following is an entry in ClinVar:

ClinVar aggregate classification (germline): Conflicting classifications of pathogenicity. Review status: criteria provided, conflicting classifications (1 of 4 stars). 5 submissions from 5 submitters: Uncertain significance (1); Likely benign (3). 1 of the submissions does not count toward it. Last evaluated 2024-11-15.

Conditions:
WDR62-related disorder. Also called: WDR62-related condition.

Allele frequency attached by ClinVar (database versions not stated): ExAC 0.00007; gnomAD 0.00007 and 0.00008; TOPMed 0.00007; gnomAD exomes 0.00008 and 0.00016.
gnomAD v4.1: 234 of 1,598,516 alleles (0.015%); highest among the groups gnomAD compares: Non-Finnish European, 0.018%; no homozygotes.

Submissions (5):

Blueprint Genetics
Classification: Likely benign. Last evaluated: 2024-11-15. Review status: criteria provided, single submitter. Criteria: ACMG Guidelines, 2015. Collection method: clinical testing. Allele origin: germline.

CeGaT Center for Human Genetics Tuebingen
Classification: Likely benign. Last evaluated: 2022-12-01. Review status: criteria provided, single submitter. Criteria: CeGaT Center For Human Genetics Tuebingen Variant Classification Criteria Version 2. Collection method: clinical testing. Allele origin: germline. Affected: yes. Observed: 1 variant allele.
Comment: WDR62: BP4, BP7

Labcorp Genetics (formerly Invitae), Labcorp
Classification: Likely benign. Last evaluated: 2022-08-16. Review status: criteria provided, single submitter. Criteria: Invitae Variant Classification Sherloc (09022015). Collection method: clinical testing. Allele origin: germline.

Eurofins Ntd Llc (ga)
Classification: Uncertain significance. Last evaluated: 2017-01-11. Review status: criteria provided, single submitter. Criteria: EGL Classification Definitions 2015. Collection method: clinical testing. Allele origin: germline. Observed: 1 variant allele, 1 heterozygote.

PreventionGenetics, part of Exact Sciences
Classification: Likely benign for WDR62-related condition. Last evaluated: 2019-08-01. Review status: no assertion criteria provided. Collection method: clinical testing. Allele origin: germline. Not counted in ClinVar's aggregate classification.
Comment: This variant is classified as likely benign based on ACMG/AMP sequence variant interpretation guidelines (Richards et al. 2015 PMID: 25741868, with internal and published modifications).

NM_001083961.2(WDR62):c.4122C>T (p.Gly1374=)

Gene: WDR62 (WD repeat domain 62; plus strand). Cytogenetic location: 19q13.12.
Variant type: single nucleotide variant.
Coding change: c.4122C>T on transcript NM_001083961.2 (MANE Select); coding-DNA position 4122, C replaced by T.
Protein change: p.Gly1374=; no amino-acid change (glycine 1374 retained).
Molecular consequence: synonymous variant.
Genome position (GRCh38, 1-based): chr19:36,103,950, C>T. VCF-style: chr19-36103950-C-T. GRCh37 (hg19) VCF-style: chr19-36594852-C-T.
Other names: c.4107C>T, p.Gly1369= (NM_173636.5).
Identifiers: ClinVar variation 499435 (VCV000499435.39), dbSNP rs773948810, ClinGen allele CA9396469.